The following is an entry in ClinVar:

NM_001048174.2(MUTYH):c.1222C>A (p.Leu408Ile)

Gene: MUTYH (mutY DNA glycosylase; minus strand). Cytogenetic location: 1p34.1.
Variant type: single nucleotide variant.
Coding change: c.1222C>A on transcript NM_001048174.2 (MANE Select); coding-DNA position 1222, C replaced by A.
Protein change: p.Leu408Ile; replaces leucine 408 with isoleucine.
Molecular consequence: missense variant. On other transcripts: non-coding transcript variant (2).
Genome position (GRCh38, 1-based): chr1:45,331,437, G>T on the plus strand (C>A on the coding strand, the complement: MUTYH is on the minus strand). VCF-style: chr1-45331437-G-T. GRCh37 (hg19) VCF-style: chr1-45797109-G-T.
Other names: c.1222C>A, p.Leu408Ile (NM_001048171.2, NM_001048173.2, NM_001293195.2); c.1225C>A, p.Leu409Ile (NM_001048172.2); c.1306C>A, p.Leu436Ile (NM_001128425.2); c.1267C>A, p.Leu423Ile (NM_001293190.2); c.1255C>A, p.Leu419Ile (NM_001293191.2); c.946C>A, p.Leu316Ile (NM_001293192.2, NM_001293196.2); c.877C>A, p.Leu293Ile (NM_001350650.2, NM_001350651.2); c.1297C>A, p.Leu433Ile (NM_012222.3); short protein forms L436I, L316I, L409I, L419I, L408I, L433I, L293I, L423I.
Identifiers: ClinVar variation 492010 (VCV000492010.9), dbSNP rs587782043, ClinGen allele CA340132854.

ClinVar aggregate classification (germline): Conflicting classifications of pathogenicity. Review status: criteria provided, conflicting classifications (1 of 4 stars). 2 submissions from 2 submitters: Uncertain significance (1); Likely benign (1). Last evaluated 2025-09-09.

Conditions:
Hereditary cancer-predisposing syndrome. Also called: Hereditary neoplastic syndrome; Tumor predisposition; Hereditary Cancer Syndrome; Neoplastic Syndromes, Hereditary. Identifiers: Orphanet 140162, MedGen C0027672, MeSH D009386, MONDO:0015356.

Submissions (2):

Ambry Genetics
Classification: Likely benign for Hereditary cancer-predisposing syndrome. Last evaluated: 2025-09-09. Review status: criteria provided, single submitter. Criteria: Ambry Variant Classification Scheme 2023. Collection method: clinical testing. Allele origin: germline.

Color Diagnostics, LLC DBA Color Health
Classification: Uncertain significance for Hereditary cancer-predisposing syndrome. Last evaluated: 2024-03-06. Review status: criteria provided, single submitter. Criteria: ACMG Guidelines, 2015. Collection method: clinical testing. Allele origin: germline.
Comment: This missense variant replaces leucine with isoleucine at codon 436 of the MUTYH protein. Computational prediction suggests that this variant may not impact protein structure and function (internally defined REVEL score threshold <= 0.5, PMID: 27666373). To our knowledge, functional studies have not been reported for this variant. This variant has not been reported in individuals affected with hereditary cancer in the literature. This variant has not been identified in the general population by the Genome Aggregation Database (gnomAD). The available evidence is insufficient to determine the role of this variant in disease conclusively. Therefore, this variant is classified as a Variant of Uncertain Significance.

Literature cited by the submitters: PubMed 40738107 (cited by Ambry Genetics).